The following is an entry in ClinVar:

NC_000012.12:g.47986889del

Gene: COL2A1 (collagen type II alpha 1 chain; minus strand). Cytogenetic location: 12q13.11.
Variant type: Deletion.
Genome position: GRCh38 VCF-style: chr12-47986886-AC-A. GRCh37 (hg19) VCF-style: chr12-48380669-AC-A.
Identifiers: ClinVar variation 2693018 (VCV002693018.3), dbSNP rs2540150938, ClinGen allele CA2697559222.

ClinVar aggregate classification (germline): Pathogenic (1 of 4 stars; one submission).

Submission:

Labcorp Genetics (formerly Invitae), Labcorp
Classification: Pathogenic. Last evaluated: 2023-11-03. Review status: criteria provided, single submitter. Criteria: Invitae Variant Classification Sherloc (09022015). Collection method: clinical testing. Allele origin: germline.
Comment: This sequence change creates a premature translational stop signal (p.Gly456Valfs*173) in the COL2A1 gene. It is expected to result in an absent or disrupted protein product. Loss-of-function variants in COL2A1 are known to be pathogenic (PMID: 20179744). This variant is not present in population databases (gnomAD no frequency). This variant has not been reported in the literature in individuals affected with COL2A1-related conditions. For these reasons, this variant has been classified as Pathogenic.

Literature cited by the submitters: PubMed 20179744.